The following is an entry in ClinVar:

NM_020831.6(MRTFA):c.2023G>A (p.Val675Met)

Gene: MRTFA (myocardin related transcription factor A; minus strand). Cytogenetic location: 22q13.1.
Variant type: single nucleotide variant.
Coding change: c.2023G>A on transcript NM_020831.6 (MANE Select); coding-DNA position 2023, G replaced by A.
Protein change: p.Val675Met; replaces valine 675 with methionine.
Molecular consequence: missense variant.
Genome position (GRCh38, 1-based): chr22:40,418,715, C>T on the plus strand (G>A on the coding strand, the complement: MRTFA is on the minus strand). VCF-style: chr22-40418715-C-T. GRCh37 (hg19) VCF-style: chr22-40814719-C-T.
Other names: c.1723G>A, p.Val575Met (NM_001282660.2); c.1873G>A, p.Val625Met (NM_001282661.3); c.2023G>A, p.Val675Met (NM_001282662.3); c.1828G>A, p.Val610Met (NM_001318139.2); short protein forms V575M, V610M, V625M, V675M.
Identifiers: ClinVar variation 1683002 (VCV001683002.7), dbSNP rs749760507, ClinGen allele CA10249464.

ClinVar aggregate classification (germline): Uncertain significance. Review status: criteria provided, multiple submitters, no conflicts (2 of 4 stars). 2 submissions from 2 submitters: Uncertain significance (2). Last evaluated 2026-01-05.

Conditions:
Immunodeficiency 66. Identifiers: MedGen C5394265, MONDO:0030013, OMIM 618847.

Allele frequency attached by ClinVar (database versions not stated): TOPMed 0.00016; gnomAD exomes 0.00042; ExAC 0.00077.
gnomAD v4.1: 237 of 496,414 alleles (0.048%); highest among the groups gnomAD compares: Admixed American, 0.19%; 2 homozygotes.

Submissions (2):

Labcorp Genetics (formerly Invitae), Labcorp
Classification: Uncertain significance. Last evaluated: 2026-01-05. Review status: criteria provided, single submitter. Criteria: Invitae Variant Classification Sherloc (09022015). Collection method: clinical testing. Allele origin: germline.
Comment: This sequence change replaces valine, which is neutral and non-polar, with methionine, which is neutral and non-polar, at codon 575 of the MKL1 protein (p.Val575Met). The frequency data for this variant in the population databases is considered unreliable, as metrics indicate poor data quality at this position in the gnomAD database. This missense change has been observed in individual(s) with low platelet counts (PMID: 27479822). ClinVar contains an entry for this variant (Variation ID: 1683002). An algorithm developed to predict the effect of missense changes on protein structure and function (PolyPhen-2) suggests that this variant is likely to be disruptive. In summary, the available evidence is currently insufficient to determine the role of this variant in disease. Therefore, it has been classified as a Variant of Uncertain Significance.

Fulgent Genetics
Classification: Uncertain significance for Immunodeficiency 66. Last evaluated: 2022-02-24. Review status: criteria provided, single submitter. Criteria: ACMG Guidelines, 2015. Collection method: clinical testing. Allele origin: unknown.

Literature cited by the submitters: PubMed 27479822 (cited by Labcorp Genetics (formerly Invitae), Labcorp).